The following is an entry in ClinVar:

ClinVar aggregate classification (germline): Pathogenic (1 of 4 stars; one submission).

Submission:

GeneDx
Classification: Pathogenic. Last evaluated: 2018-10-18. Review status: criteria provided, single submitter. Criteria: GeneDx Variant Classification (06012015). Collection method: clinical testing. Allele origin: germline. Affected: yes.
Comment: The Q1839X nonsense variant in the SPTBN2 gene is predicted to cause loss of normal protein function either through protein truncation or nonsense-mediated mRNA decay. The Q1839X variant is not observed in large population cohorts (Lek et al., 2016). Although this pathogenic variant has not been reported previously to our knowledge, other loss of function variants have been reported in association with SPTBN2-related disorders in the Human Gene Mutation Database (Stenson et al., 2014). Therefore, we interpret Q1839X as a pathogenic variant.

NM_006946.4(SPTBN2):c.5515C>T (p.Gln1839Ter)

Gene: SPTBN2 (spectrin beta, non-erythrocytic 2; minus strand). Cytogenetic location: 11q13.2.
Variant type: single nucleotide variant.
Coding change: c.5515C>T on transcript NM_006946.4 (MANE Select); coding-DNA position 5515, C replaced by T.
Protein change: p.Gln1839Ter; replaces glutamine 1839 with a stop codon.
Molecular consequence: nonsense.
Genome position (GRCh38, 1-based): chr11:66,691,334, G>A on the plus strand (C>T on the coding strand, the complement: SPTBN2 is on the minus strand). VCF-style: chr11-66691334-G-A. GRCh37 (hg19) VCF-style: chr11-66458805-G-A.
Other names: short protein forms Q1839*.
Identifiers: ClinVar variation 620423 (VCV000620423.1), dbSNP rs1166383301, ClinGen allele CA381464786.